The following is an entry in ClinVar:

NM_003801.4(GPAA1):c.989A>T (p.Tyr330Phe)

Gene: GPAA1 (glycosylphosphatidylinositol anchor attachment 1; plus strand). Cytogenetic location: 8q24.3.
Variant type: single nucleotide variant.
Coding change: c.989A>T on transcript NM_003801.4 (MANE Select); coding-DNA position 989, A replaced by T.
Protein change: p.Tyr330Phe; replaces tyrosine 330 with phenylalanine.
Molecular consequence: missense variant.
Genome position (GRCh38, 1-based): chr8:144,084,588, A>T. VCF-style: chr8-144084588-A-T. GRCh37 (hg19) VCF-style: chr8-145139491-A-T.
Other names: short protein forms Y330F.
Identifiers: ClinVar variation 1943243 (VCV001943243.3), dbSNP rs782085518, ClinGen allele CA372499803.

ClinVar aggregate classification (germline): Uncertain significance (1 of 4 stars; one submission).

Allele frequency attached by ClinVar (database versions not stated): gnomAD exomes below 0.00001; TOPMed 0.00001.
gnomAD v4.1: 1 of 1,612,546 alleles (0.000062%); highest among the groups gnomAD compares: Admixed American, 0.0017%; no homozygotes.

Submission:

Labcorp Genetics (formerly Invitae), Labcorp
Classification: Uncertain significance. Last evaluated: 2022-08-06. Review status: criteria provided, single submitter. Criteria: Invitae Variant Classification Sherloc (09022015). Collection method: clinical testing. Allele origin: germline.
Comment: This variant has not been reported in the literature in individuals affected with GPAA1-related conditions. In summary, the available evidence is currently insufficient to determine the role of this variant in disease. Therefore, it has been classified as a Variant of Uncertain Significance. Algorithms developed to predict the effect of missense changes on protein structure and function (SIFT, PolyPhen-2, Align-GVGD) all suggest that this variant is likely to be tolerated. This variant is present in population databases (no rsID available, gnomAD 0.003%). This sequence change replaces tyrosine, which is neutral and polar, with phenylalanine, which is neutral and non-polar, at codon 330 of the GPAA1 protein (p.Tyr330Phe).